The following is an entry in ClinVar:

NM_001393769.1(MED12L):c.118A>C (p.Asn40His)

Gene: MED12L (mediator complex subunit 12L; plus strand). Cytogenetic location: 3q25.1.
Variant type: single nucleotide variant.
Coding change: c.118A>C on transcript NM_001393769.1 (MANE Select); coding-DNA position 118, A replaced by C.
Protein change: p.Asn40His; replaces asparagine 40 with histidine.
Molecular consequence: missense variant.
Genome position (GRCh38, 1-based): chr3:151,116,356, A>C. VCF-style: chr3-151116356-A-C. GRCh37 (hg19) VCF-style: chr3-150834143-A-C.
Other names: c.118A>C, p.Asn40His (NM_053002.6); short protein forms N40H.
Identifiers: ClinVar variation 3344364 (VCV003344364.1).

ClinVar aggregate classification (germline): Uncertain significance (0 of 4 stars; one submission).

Conditions:
MED12L-related disorder. Also called: MED12L-related condition.

Submission:

PreventionGenetics, part of Exact Sciences
Classification: Uncertain significance for MED12L-related condition. Last evaluated: 2024-05-08. Review status: no assertion criteria provided. Collection method: clinical testing. Allele origin: germline.
Comment: The MED12L c.118A>C variant is predicted to result in the amino acid substitution p.Asn40His. To our knowledge, this variant has not been reported in the literature or in a large population database, indicating this variant is rare. At this time, the clinical significance of this variant is uncertain due to the absence of conclusive functional and genetic evidence.